The following is an entry in ClinVar:

NM_001083116.3(PRF1):c.1567G>A (p.Ala523Thr)

Gene: PRF1 (perforin 1; minus strand). Cytogenetic location: 10q22.1.
Variant type: single nucleotide variant.
Coding change: c.1567G>A on transcript NM_001083116.3 (MANE Select); coding-DNA position 1567, G replaced by A.
Protein change: p.Ala523Thr; replaces alanine 523 with threonine.
Molecular consequence: missense variant.
Genome position (GRCh38, 1-based): chr10:70,598,154, C>T on the plus strand (G>A on the coding strand, the complement: PRF1 is on the minus strand). VCF-style: chr10-70598154-C-T. GRCh37 (hg19) VCF-style: chr10-72357910-C-T.
Other names: c.1567G>A, p.Ala523Thr (NM_005041.6); short protein forms A523T.
Identifiers: ClinVar variation 3627997 (VCV003627997.1).

ClinVar aggregate classification (germline): Uncertain significance (1 of 4 stars; one submission).

Conditions:
Familial hemophagocytic lymphohistiocytosis 2 (FHL2). Also called: PRF1-Related Familial Hemophagocytic Lymphohistiocytosis (PRF1-fHLH). Identifiers: Orphanet 540, MedGen C1863727, MONDO:0011337, OMIM 603553.

gnomAD v4.1: 1 of 1,614,166 alleles (0.000062%); highest among the groups gnomAD compares: Admixed American, 0.0017%; no homozygotes.

Submission:

Labcorp Genetics (formerly Invitae), Labcorp
Classification: Uncertain significance for Familial hemophagocytic lymphohistiocytosis 2. Last evaluated: 2024-02-13. Review status: criteria provided, single submitter. Criteria: Invitae Variant Classification Sherloc (09022015). Collection method: clinical testing. Allele origin: germline.
Comment: This sequence change replaces alanine, which is neutral and non-polar, with threonine, which is neutral and polar, at codon 523 of the PRF1 protein (p.Ala523Thr). This variant is not present in population databases (gnomAD no frequency). This variant has not been reported in the literature in individuals affected with PRF1-related conditions. Advanced modeling of protein sequence and biophysical properties (such as structural, functional, and spatial information, amino acid conservation, physicochemical variation, residue mobility, and thermodynamic stability) has been performed at Invitae for this missense variant, however the output from this modeling did not meet the statistical confidence thresholds required to predict the impact of this variant on PRF1 protein function. In summary, the available evidence is currently insufficient to determine the role of this variant in disease. Therefore, it has been classified as a Variant of Uncertain Significance.